The following is an entry in ClinVar:

ClinVar aggregate classification (germline): Pathogenic. Review status: criteria provided, multiple submitters, no conflicts (2 of 4 stars). 2 submissions from 2 submitters: Pathogenic (2). Last evaluated 2020-09-14.

Conditions:
Sialuria. Also called: SIALURIA, FRENCH TYPE; Sialic Acid Storage Disease. Identifiers: Orphanet 3166, MedGen C0342853, MONDO:0010028, OMIM 269921.
GNE myopathy (NM). Also called: NONAKA DISTAL MYOPATHY; MYOPATHY, DISTAL, WITH OR WITHOUT RIMMED VACUOLES; INCLUSION BODY MYOPATHY, HEREDITARY, AUTOSOMAL RECESSIVE; INCLUSION BODY MYOPATHY 2, AUTOSOMAL RECESSIVE; IBM 2; Inclusion body myopathy autosomal recessive. Identifiers: Orphanet 602, MedGen C1853926, MONDO:0011603, OMIM 605820.

Submissions (2):

Labcorp Genetics (formerly Invitae), Labcorp
Classification: Pathogenic for Sialuria; GNE myopathy. Last evaluated: 2020-09-14. Review status: criteria provided, single submitter. Criteria: Invitae Variant Classification Sherloc (09022015). Collection method: clinical testing. Allele origin: germline.
Comment: This variant has not been reported in the literature in individuals with GNE-related conditions. This sequence change creates a premature translational stop signal (p.Thr105Asnfs*7) in the GNE gene. It is expected to result in an absent or disrupted protein product. This variant is not present in population databases (ExAC no frequency). Loss-of-function variants in GNE are known to be pathogenic (PMID: 24027297). For these reasons, this variant has been classified as Pathogenic.

Revvity Omics, Revvity
Classification: Pathogenic. Last evaluated: 2020-03-13. Review status: criteria provided, single submitter. Criteria: ACMG Guidelines, 2015. Collection method: clinical testing. Allele origin: germline.

Literature cited by the submitters: PubMed 24027297 (cited by Labcorp Genetics (formerly Invitae), Labcorp).

NM_005476.7(GNE):c.221_222del (p.Thr74fs)

Gene: GNE (glucosamine (UDP-N-acetyl)-2-epimerase/N-acetylmannosamine kinase; minus strand). Cytogenetic location: 9p13.3.
Variant type: Microsatellite.
Coding change: c.221_222del on transcript NM_005476.7 (MANE Select); coding-DNA positions 221 to 222, 2 bases deleted (CA; older notation c.221_222delCA).
Protein change: p.Thr74fs; shifts the reading frame from threonine 74.
Molecular consequence: frameshift variant.
Genome position (GRCh38, 1-based): chr9:36,246,425-36,246,426, TG deleted on the plus strand (CA on the coding strand, the reverse complement: GNE is on the minus strand); deleting any 2 consecutive bases within chr9:36,246,425-36,246,431 gives the same sequence; the c. name uses the placement nearest the transcript's 3' end. VCF-style (leftmost placement, unchanged base first): chr9-36246424-TTG-T. GRCh37 (hg19) VCF-style: chr9-36246421-TTG-T.
Other names: c.314_315del, p.Thr105fs (NM_001128227.3); c.221_222del, p.Thr74fs (NM_001190383.3, NM_001374797.1); c.44_45del, p.Thr15fs (NM_001190384.3, NM_001190388.2, NM_001374798.1); short protein forms T105fs, T15fs, T74fs.
Identifiers: ClinVar variation 1075047 (VCV001075047.10), dbSNP rs2133113896, ClinGen allele CA2580616201.